The following is an entry in ClinVar:

ClinVar aggregate classification (germline): Uncertain significance (1 of 4 stars; one submission).

Conditions:
Cardiovascular phenotype. Identifiers: MedGen CN230736.

Submission:

Ambry Genetics
Classification: Uncertain significance for Cardiovascular phenotype. Last evaluated: 2025-04-20. Review status: criteria provided, single submitter. Criteria: Ambry Variant Classification Scheme 2023. Collection method: clinical testing. Allele origin: germline.
Comment: The p.N182T variant (also known as c.545A>C), located in coding exon 5 of the SPRED1 gene, results from an A to C substitution at nucleotide position 545. The asparagine at codon 182 is replaced by threonine, an amino acid with similar properties. This amino acid position is conserved. In addition, this alteration is predicted to be tolerated by in silico analysis. Based on the available evidence, the clinical significance of this variant remains unclear.

NM_152594.3(SPRED1):c.545A>C (p.Asn182Thr)

Gene: SPRED1 (sprouty related EVH1 domain containing 1; plus strand). Cytogenetic location: 15q14.
Variant type: single nucleotide variant.
Coding change: c.545A>C on transcript NM_152594.3 (MANE Select); coding-DNA position 545, A replaced by C.
Protein change: p.Asn182Thr; replaces asparagine 182 with threonine.
Molecular consequence: missense variant.
Genome position (GRCh38, 1-based): chr15:38,339,858, A>C. VCF-style: chr15-38339858-A-C. GRCh37 (hg19) VCF-style: chr15-38632059-A-C.
Other names: short protein forms N182T.
Identifiers: ClinVar variation 3961381 (VCV003961381.1).